The following is an entry in ClinVar:

NM_018249.6(CDK5RAP2):c.3955+20C>T

Gene: CDK5RAP2 (CDK5 regulatory subunit associated protein 2; minus strand). Cytogenetic location: 9q33.2.
Variant type: single nucleotide variant.
Coding change: c.3955+20C>T on transcript NM_018249.6 (MANE Select); 20 bases into the intron after coding-DNA position 3955, C replaced by T.
Molecular consequence: intron variant.
Genome position (GRCh38, 1-based): chr9:120,437,275, G>A on the plus strand (C>T on the coding strand, the complement: CDK5RAP2 is on the minus strand). VCF-style: chr9-120437275-G-A. GRCh37 (hg19) VCF-style: chr9-123199553-G-A.
Other names: c.3265+20C>T (NM_001272039.2); c.3955+20C>T (NM_001011649.3).
Identifiers: ClinVar variation 1907056 (VCV001907056.5), dbSNP rs540334806, ClinGen allele CA5213724.

ClinVar aggregate classification (germline): Uncertain significance (1 of 4 stars; one submission).

Allele frequency attached by ClinVar (database versions not stated): ExAC 0.00002; TOPMed 0.00002; gnomAD 0.00003; 1000 Genomes Project 30x 0.00016; 1000 Genomes Project 0.00020.
gnomAD v4.1: 41 of 1,554,344 alleles (0.0026%); highest among the groups gnomAD compares: Middle Eastern, 0.033%; no homozygotes.

Submission:

Labcorp Genetics (formerly Invitae), Labcorp
Classification: Uncertain significance. Last evaluated: 2022-05-06. Review status: criteria provided, single submitter. Criteria: Invitae Variant Classification Sherloc (09022015). Collection method: clinical testing. Allele origin: germline.
Comment: This sequence change falls in intron 25 of the CDK5RAP2 gene. It does not directly change the encoded amino acid sequence of the CDK5RAP2 protein. The frequency data for this variant in the population databases is considered unreliable, as metrics indicate poor data quality at this position in the gnomAD database. This variant has not been reported in the literature in individuals affected with CDK5RAP2-related conditions. Algorithms developed to predict the effect of sequence changes on RNA splicing suggest that this variant may create or strengthen a splice site. In summary, the available evidence is currently insufficient to determine the role of this variant in disease. Therefore, it has been classified as a Variant of Uncertain Significance.